The following is an entry in ClinVar:

ClinVar aggregate classification (germline): Uncertain significance. Review status: criteria provided, multiple submitters, no conflicts (2 of 4 stars). 2 submissions from 2 submitters: Uncertain significance (2). Last evaluated 2026-04-21.

Submissions (2):

GeneDx
Classification: Uncertain significance. Last evaluated: 2026-04-21. Review status: criteria provided, single submitter. Criteria: GeneDx Variant Classification Process June 2021. Collection method: clinical testing. Allele origin: germline.
Comment: Not observed at significant frequency in large population cohorts (gnomAD); In silico analysis supports that this missense variant has a deleterious effect on protein structure/function; Has not been previously published as pathogenic or benign to our knowledge

Blueprint Genetics
Classification: Uncertain significance. Last evaluated: 2023-07-27. Review status: criteria provided, single submitter. Criteria: ACMG Guidelines, 2015. Collection method: clinical testing. Allele origin: germline.

NM_001128.6(AP1G1):c.826A>G (p.Thr276Ala)

Gene: AP1G1 (adaptor related protein complex 1 subunit gamma 1; minus strand). Cytogenetic location: 16q22.2.
Variant type: single nucleotide variant.
Coding change: c.826A>G on transcript NM_001128.6 (MANE Select); coding-DNA position 826, A replaced by G.
Protein change: p.Thr276Ala; replaces threonine 276 with alanine.
Molecular consequence: missense variant.
Genome position (GRCh38, 1-based): chr16:71,764,442, T>C on the plus strand (A>G on the coding strand, the complement: AP1G1 is on the minus strand). VCF-style: chr16-71764442-T-C. GRCh37 (hg19) VCF-style: chr16-71798345-T-C.
Other names: c.835A>G, p.Thr279Ala (NM_001030007.2); c.835A>G (NM_001030007.1); short protein forms T279A, T276A.
Identifiers: ClinVar variation 4931045 (VCV004931045.2).